The following is an entry in ClinVar:

ClinVar aggregate classification (germline): Uncertain significance. Review status: criteria provided, multiple submitters, no conflicts (2 of 4 stars). 2 submissions from 2 submitters: Uncertain significance (2). Last evaluated 2023-03-08.

Conditions:
DCTN1-related disorder. Also called: DCTN1-related condition.
Amyotrophic lateral sclerosis type 1 (ALS1). Also called: AMYOTROPHIC LATERAL SCLEROSIS 1, FAMILIAL. Identifiers: Orphanet 803, MedGen C1862939, MONDO:0007103, OMIM 105400.
Perry syndrome. Also called: PARKINSONISM WITH ALVEOLAR HYPOVENTILATION AND MENTAL DEPRESSION. Identifiers: Orphanet 178509, MedGen C1868594, MONDO:0008201, OMIM 168605.
Neuronopathy, distal hereditary motor, type 7B. Also called: NEURONOPATHY, DISTAL HEREDITARY MOTOR, AUTOSOMAL DOMINANT 14; NEURONOPATHY, DISTAL HEREDITARY MOTOR, HARDING TYPE VIIB; NEUROPATHY, DISTAL HEREDITARY MOTOR, HARDING TYPE VIIB; NEUROPATHY, DISTAL HEREDITARY MOTOR, WITH VOCAL CORD PARALYSIS, HARDING TYPE VIIB; Distal Hereditary Motor Neuronopathy Type 7B (dHMN7B); HMN VIIB. Identifiers: Orphanet 139589, MedGen C1843315, MONDO:0011879, OMIM 607641.

Allele frequency attached by ClinVar (database versions not stated): gnomAD exomes 0.00001.
gnomAD v4.1: 11 of 1,614,150 alleles (0.00068%); highest among the groups gnomAD compares: East Asian, 0.0067%; no homozygotes.

Submissions (2):

PreventionGenetics, part of Exact Sciences
Classification: Uncertain significance for DCTN1-related condition. Last evaluated: 2023-03-08. Review status: criteria provided, single submitter. Criteria: ACMG Guidelines, 2015. Collection method: clinical testing. Allele origin: germline.
Comment: The DCTN1 c.2622C>T variant is not predicted to result in an amino acid change (p.=). This variant is predicted to possibly create a donor splice site within the exon and may result in aberrant splicing (Alamut Visual Plus v1.6.1). To our knowledge, this variant has not been reported in the literature. This variant is reported in 0.011% of alleles in individuals of East Asian descent in gnomAD. At this time, the clinical significance of this variant is uncertain due to the absence of conclusive functional and genetic evidence.

Labcorp Genetics (formerly Invitae), Labcorp
Classification: Uncertain significance for Amyotrophic lateral sclerosis type 1; Neuronopathy, distal hereditary motor, type 7B; Perry syndrome. Last evaluated: 2021-05-13. Review status: criteria provided, single submitter. Criteria: Invitae Variant Classification Sherloc (09022015). Collection method: clinical testing. Allele origin: germline.
Comment: This sequence change affects codon 874 of the DCTN1 mRNA. It is a 'silent' change, meaning that it does not change the encoded amino acid sequence of the DCTN1 protein. This variant is not present in population databases (ExAC no frequency). This variant has not been reported in the literature in individuals with DCTN1-related conditions. Algorithms developed to predict the effect of sequence changes on RNA splicing suggest that this variant may create or strengthen a splice site, but this prediction has not been confirmed by published transcriptional studies. In summary, the available evidence is currently insufficient to determine the role of this variant in disease. Therefore, it has been classified as a Variant of Uncertain Significance.

NM_004082.5(DCTN1):c.2622C>T (p.Ser874=)

Gene: DCTN1 (dynactin subunit 1; minus strand). Cytogenetic location: 2p13.1.
Variant type: single nucleotide variant.
Coding change: c.2622C>T on transcript NM_004082.5 (MANE Select); coding-DNA position 2622, C replaced by T.
Protein change: p.Ser874=; no amino-acid change (serine 874 retained).
Molecular consequence: synonymous variant. On other transcripts: non-coding transcript variant (1).
Genome position (GRCh38, 1-based): chr2:74,366,465, G>A on the plus strand (C>T on the coding strand, the complement: DCTN1 is on the minus strand). VCF-style: chr2-74366465-G-A. GRCh37 (hg19) VCF-style: chr2-74593592-G-A.
Other names: c.2622C>T (NM_004082.4); c.2562C>T, p.Ser854= (NM_001135040.3); c.2220C>T, p.Ser740= (NM_001135041.3, NM_023019.4); c.2511C>T, p.Ser837= (NM_001190836.2); c.2601C>T, p.Ser867= (NM_001190837.2); c.2571C>T, p.Ser857= (NM_001378991.1); c.2553C>T, p.Ser851= (NM_001378992.1).
Identifiers: ClinVar variation 1402096 (VCV001402096.10), dbSNP rs1367060889, ClinGen allele CA427030307.